The following is an entry in ClinVar:

NM_000875.5(IGF1R):c.4058G>A (p.Arg1353His)

Gene: IGF1R (insulin like growth factor 1 receptor; plus strand). Cytogenetic location: 15q26.3.
Variant type: single nucleotide variant.
Coding change: c.4058G>A on transcript NM_000875.5 (MANE Select); coding-DNA position 4058, G replaced by A.
Protein change: p.Arg1353His; replaces arginine 1353 with histidine.
Molecular consequence: missense variant.
Genome position (GRCh38, 1-based): chr15:98,957,396, G>A. VCF-style: chr15-98957396-G-A. GRCh37 (hg19) VCF-style: chr15-99500625-G-A.
Other names: c.4055G>A, p.Arg1352His (NM_001291858.2); short protein forms R1353H, R1352H.
Identifiers: ClinVar variation 195570 (VCV000195570.17), dbSNP rs149470389, ClinGen allele CA242045.
Genomic context (GRCh38, chr15:98,957,396, plus strand): 5'-TGCTGGTCCTCCGCGCCAGCTTCGACGAGAGACAGCCTTACGCCCACATGAACGGGGGCC[G>A]CAAGAACGAGCGGGCCTTGCCGCTGCCCCAGTCTTCGACCTGCTGATCCTTGGATCCTGA-3'
Protein context (NP_000866.1, residues 1343-1363): RQPYAHMNGG[Arg1353His]KNERALPLPQ

ClinVar aggregate classification (germline): Uncertain significance. Review status: criteria provided, multiple submitters, no conflicts (2 of 4 stars). 7 submissions from 7 submitters: Uncertain significance (5). 2 of the submissions do not count toward it. Last evaluated 2025-10-16.

Conditions:
Growth delay due to insulin-like growth factor I resistance. Also called: Somatomedin end-organ insensitivity to; Somatomedin-c resistance to; IGF-1 resistance; IGF-I RESISTANCE; Insulin-Like Growth Factor I Resistance. Identifiers: Orphanet 73273, MedGen C1849157, MONDO:0010038, OMIM 270450.

Allele frequency attached by ClinVar (database versions not stated): 1000 Genomes Project 30x 0.00016; 1000 Genomes Project 0.00020; ExAC 0.00020; gnomAD exomes 0.00023; TOPMed 0.00025; gnomAD 0.00029 and 0.00031; ESP Exome Variant Server 0.00039.
gnomAD v4.1: 885 of 1,613,286 alleles (0.055%); highest among the groups gnomAD compares: Non-Finnish European, 0.073%; no homozygotes.

Submissions (7):

Labcorp Genetics (formerly Invitae), Labcorp
Classification: Uncertain significance. Last evaluated: 2025-10-16. Review status: criteria provided, single submitter. Criteria: Invitae Variant Classification Sherloc (09022015). Collection method: clinical testing. Allele origin: germline.
Comment: This sequence change replaces arginine, which is basic and polar, with histidine, which is basic and polar, at codon 1353 of the IGF1R protein (p.Arg1353His). This variant is present in population databases (rs149470389, gnomAD 0.05%). This missense change has been observed in individual(s) with craniosynostosis (PMID: 29168297). ClinVar contains an entry for this variant (Variation ID: 195570). An algorithm developed to predict the effect of missense changes on protein structure and function (PolyPhen-2) suggests that this variant is likely to be disruptive. Experimental studies have shown that this missense change affects IGF1R function (PMID: 29789409). In summary, the available evidence is currently insufficient to determine the role of this variant in disease. Therefore, it has been classified as a Variant of Uncertain Significance.

Blueprint Genetics
Classification: Uncertain significance. Last evaluated: 2024-10-16. Review status: criteria provided, single submitter. Criteria: ACMG Guidelines, 2015. Collection method: clinical testing. Allele origin: germline.

Fulgent Genetics
Classification: Uncertain significance for Growth delay due to insulin-like growth factor I resistance. Last evaluated: 2021-11-04. Review status: criteria provided, single submitter. Criteria: ACMG Guidelines, 2015. Collection method: clinical testing. Allele origin: unknown.

Illumina Laboratory Services, Illumina
Classification: Uncertain significance for Growth delay due to insulin-like growth factor I resistance. Last evaluated: 2017-04-27. Review status: criteria provided, single submitter. Criteria: ICSL Variant Classification Criteria 13 December 2019. Collection method: clinical testing. Allele origin: germline.
Comment: This variant was observed as part of a predisposition screen in an ostensibly healthy population. A literature search was performed for the gene, cDNA change, and amino acid change (where applicable). Publications were found based on this search. However, the evidence from the literature, in combination with allele frequency data from public databases where available, was not sufficient to rule this variant in or out of causing disease. Therefore, this variant is classified as a variant of unknown significance.

Eurofins Ntd Llc (ga)
Classification: Uncertain significance. Last evaluated: 2016-04-06. Review status: criteria provided, single submitter. Criteria: EGL Classification Definitions 2015. Collection method: clinical testing. Allele origin: germline. Observed: 2 variant alleles, 2 heterozygotes.

Clinical Genetics DNA and cytogenetics Diagnostics Lab, Erasmus MC, Erasmus Medical Center
Classification: Uncertain significance. Review status: no assertion criteria provided. Collection method: clinical testing. Allele origin: germline. Affected: yes. Study: VKGL Data-share Consensus. Not counted in ClinVar's aggregate classification.

Laboratory of Diagnostic Genome Analysis, Leiden University Medical Center (LUMC)
Classification: Uncertain significance. Review status: no assertion criteria provided. Collection method: clinical testing. Allele origin: germline. Affected: yes. Study: VKGL Data-share Consensus. Not counted in ClinVar's aggregate classification.

Literature cited by the submitters: PubMed 29168297 (cited by Labcorp Genetics (formerly Invitae), Labcorp); PubMed 29789409 (cited by Labcorp Genetics (formerly Invitae), Labcorp); PubMed 23431249 (cited by Illumina Laboratory Services, Illumina).